The following is an entry in ClinVar:

ClinVar aggregate classification (germline): Likely benign (0 of 4 stars; one submission).

Conditions:
NRP1-related disorder. Also called: NRP1-related condition.

gnomAD v4.1: 22 of 1,613,702 alleles (0.0014%); highest among the groups gnomAD compares: African/African-American, 0.0067%; no homozygotes.

Submission:

PreventionGenetics, part of Exact Sciences
Classification: Likely benign for NRP1-related condition. Last evaluated: 2023-02-02. Review status: no assertion criteria provided. Collection method: clinical testing. Allele origin: germline.
Comment: This variant is classified as likely benign based on ACMG/AMP sequence variant interpretation guidelines (Richards et al. 2015 PMID: 25741868, with internal and published modifications).

NM_003873.7(NRP1):c.2763G>A (p.Ser921=)

Gene: NRP1 (neuropilin 1; minus strand). Cytogenetic location: 10p11.22.
Variant type: single nucleotide variant.
Coding change: c.2763G>A on transcript NM_003873.7 (MANE Select); coding-DNA position 2763, G replaced by A.
Protein change: p.Ser921=; no amino-acid change (serine 921 retained).
Molecular consequence: synonymous variant. On other transcripts: non-coding transcript variant (1).
Genome position (GRCh38, 1-based): chr10:33,180,085, C>T on the plus strand (G>A on the coding strand, the complement: NRP1 is on the minus strand). VCF-style: chr10-33180085-C-T. GRCh37 (hg19) VCF-style: chr10-33469013-C-T.
Other names: c.2745G>A, p.Ser915= (NM_001244972.2); c.2742G>A, p.Ser914= (NM_001244973.2); c.2712G>A, p.Ser904= (NM_001330068.2).
Identifiers: ClinVar variation 3353285 (VCV003353285.1).